The following is an entry in ClinVar:

NM_003924.4(PHOX2B):c.688G>A (p.Gly230Arg)

Gene: PHOX2B (paired like homeobox 2B; minus strand). Cytogenetic location: 4p13.
Variant type: single nucleotide variant.
Coding change: c.688G>A on transcript NM_003924.4 (MANE Select); coding-DNA position 688, G replaced by A.
Protein change: p.Gly230Arg; replaces glycine 230 with arginine.
Molecular consequence: missense variant.
Genome position (GRCh38, 1-based): chr4:41,746,064, C>T on the plus strand (G>A on the coding strand, the complement: PHOX2B is on the minus strand). VCF-style: chr4-41746064-C-T. GRCh37 (hg19) VCF-style: chr4-41748081-C-T.
Other names: short protein forms G230R.
Identifiers: ClinVar variation 934088 (VCV000934088.12), dbSNP rs1733884523, ClinGen allele CA356737391.
Genomic context (GRCh38, chr4:41,746,064, plus strand): 5'-CTGCCGCGGCCGCCGCCGCTGCTGCTGCGCCGCCCTTGCCGGGTTCGCCTCCCGGGCCCC[C>T]GGGCCCCGCCGCCCCCGGAGCTCCAGCCGGGCTGGGCCCGCCGCCGCCGCCTCCATTCGC-3'
Protein context (NP_003915.2, residues 220-240): PAGAPGAAGP[Gly230Arg]GPGGEPGKGG

ClinVar aggregate classification (germline): Uncertain significance. Review status: criteria provided, multiple submitters, no conflicts (2 of 4 stars). 2 submissions from 2 submitters: Uncertain significance (2). Last evaluated 2025-04-12.

Conditions:
Hereditary cancer-predisposing syndrome. Also called: Neoplastic Syndromes, Hereditary; Hereditary Cancer Syndrome; Hereditary neoplastic syndrome; Tumor predisposition. Identifiers: Orphanet 140162, MedGen C0027672, MeSH D009386, MONDO:0015356.
Haddad syndrome (OHD). Also called: Ondine-Hirschsprung disease. Identifiers: Orphanet 99803, MedGen C1859049, MONDO:0020493.

Allele frequency attached by ClinVar (database versions not stated): TOPMed below 0.00001.
gnomAD v4.1: 4 of 1,387,796 alleles (0.00029%); highest among the groups gnomAD compares: African/African-American, 0.0015%; no homozygotes.

Submissions (2):

Ambry Genetics
Classification: Uncertain significance for Hereditary cancer-predisposing syndrome. Last evaluated: 2025-04-12. Review status: criteria provided, single submitter. Criteria: Ambry Variant Classification Scheme 2023. Collection method: clinical testing. Allele origin: germline.
Comment: The p.G230R variant (also known as c.688G>A), located in coding exon 3 of the PHOX2B gene, results from a G to A substitution at nucleotide position 688. The glycine at codon 230 is replaced by arginine, an amino acid with dissimilar properties. This amino acid position is conserved. In addition, the in silico prediction for this alteration is inconclusive. Since supporting evidence is limited at this time, the clinical significance of this alteration remains unclear.

Labcorp Genetics (formerly Invitae), Labcorp
Classification: Uncertain significance for Haddad syndrome. Last evaluated: 2023-10-10. Review status: criteria provided, single submitter. Criteria: Invitae Variant Classification Sherloc (09022015). Collection method: clinical testing. Allele origin: germline.
Comment: This sequence change replaces glycine, which is neutral and non-polar, with arginine, which is basic and polar, at codon 230 of the PHOX2B protein (p.Gly230Arg). This variant is not present in population databases (gnomAD no frequency). This variant has not been reported in the literature in individuals affected with PHOX2B-related conditions. ClinVar contains an entry for this variant (Variation ID: 934088). Advanced modeling of protein sequence and biophysical properties (such as structural, functional, and spatial information, amino acid conservation, physicochemical variation, residue mobility, and thermodynamic stability) performed at Invitae indicates that this missense variant is not expected to disrupt PHOX2B protein function. In summary, the available evidence is currently insufficient to determine the role of this variant in disease. Therefore, it has been classified as a Variant of Uncertain Significance.